The following is an entry in ClinVar:

NM_032242.4(PLXNA1):c.1319A>G (p.Tyr440Cys)

Gene: PLXNA1 (plexin A1; plus strand). Cytogenetic location: 3q21.3.
Variant type: single nucleotide variant.
Coding change: c.1319A>G on transcript NM_032242.4 (MANE Select); coding-DNA position 1319, A replaced by G.
Protein change: p.Tyr440Cys; replaces tyrosine 440 with cysteine.
Molecular consequence: missense variant.
Genome position (GRCh38, 1-based): chr3:126,991,508, A>G. VCF-style: chr3-126991508-A-G. GRCh37 (hg19) VCF-style: chr3-126710351-A-G.
Other names: short protein forms Y440C.
Identifiers: ClinVar variation 3356533 (VCV003356533.3).

ClinVar aggregate classification (germline): Uncertain significance. Review status: criteria provided, multiple submitters, no conflicts (2 of 4 stars). 3 submissions from 3 submitters: Uncertain significance (2). 1 of the submissions does not count toward it. Last evaluated 2026-02-21.

Conditions:
PLXNA1-related disorder. Also called: PLXNA1-related condition.

Submissions (3):

GeneDx
Classification: Uncertain significance. Last evaluated: 2026-02-21. Review status: criteria provided, single submitter. Criteria: GeneDx Variant Classification Process June 2021. Collection method: clinical testing. Allele origin: germline.
Comment: Not observed at significant frequency in large population cohorts (gnomAD); In silico analysis supports that this missense variant has a deleterious effect on protein structure/function; Has not been previously published as pathogenic or benign to our knowledge

Ambry Genetics
Classification: Uncertain significance. Last evaluated: 2025-10-07. Review status: criteria provided, single submitter. Criteria: Ambry Variant Classification Scheme 2023. Collection method: clinical testing. Allele origin: germline.

PreventionGenetics, part of Exact Sciences
Classification: Uncertain significance for PLXNA1-related condition. Last evaluated: 2024-02-06. Review status: no assertion criteria provided. Collection method: clinical testing. Allele origin: germline. Not counted in ClinVar's aggregate classification.
Comment: The PLXNA1 c.1319A>G variant is predicted to result in the amino acid substitution p.Tyr440Cys. To our knowledge, this variant has not been reported in the literature. This variant is reported in 0.00089% of alleles in individuals of European (non-Finnish) descent in gnomAD. At this time, the clinical significance of this variant is uncertain due to the absence of conclusive functional and genetic evidence.